The following is an entry in ClinVar:

NM_004656.4(BAP1):c.1171C>G (p.Pro391Ala)

Gene: BAP1 (BRCA1 associated deubiquitinase 1; minus strand). Cytogenetic location: 3p21.1.
Variant type: single nucleotide variant.
Coding change: c.1171C>G on transcript NM_004656.4 (MANE Select); coding-DNA position 1171, C replaced by G.
Protein change: p.Pro391Ala; replaces proline 391 with alanine.
Molecular consequence: missense variant.
Genome position (GRCh38, 1-based): chr3:52,404,532, G>C on the plus strand (C>G on the coding strand, the complement: BAP1 is on the minus strand). VCF-style: chr3-52404532-G-C. GRCh37 (hg19) VCF-style: chr3-52438548-G-C.
Other names: c.1117C>G, p.Pro373Ala (NM_001410772.1); short protein forms P373A, P391A.
Identifiers: ClinVar variation 3987194 (VCV003987194.1).

ClinVar aggregate classification (germline): Uncertain significance (1 of 4 stars; one submission).

Conditions:
Hereditary cancer-predisposing syndrome. Also called: Tumor predisposition; Hereditary neoplastic syndrome; Neoplastic Syndromes, Hereditary; Hereditary Cancer Syndrome. Identifiers: Orphanet 140162, MedGen C0027672, MeSH D009386, MONDO:0015356.

Submission:

Ambry Genetics
Classification: Uncertain significance for Hereditary cancer-predisposing syndrome. Last evaluated: 2025-06-08. Review status: criteria provided, single submitter. Criteria: Ambry Variant Classification Scheme 2023. Collection method: clinical testing. Allele origin: germline.
Comment: The p.P391A variant (also known as c.1171C>G), located in coding exon 12 of the BAP1 gene, results from a C to G substitution at nucleotide position 1171. The proline at codon 391 is replaced by alanine, an amino acid with highly similar properties. This amino acid position is conserved. In addition, this alteration is predicted to be tolerated by in silico analysis. Based on the available evidence, the clinical significance of this variant remains unclear.